The following is an entry in ClinVar:

NM_014943.5(ZHX2):c.1113C>T (p.Leu371=)

Gene: ZHX2 (zinc fingers and homeoboxes 2; plus strand). Cytogenetic location: 8q24.13.
Variant type: single nucleotide variant.
Coding change: c.1113C>T on transcript NM_014943.5 (MANE Select); coding-DNA position 1113, C replaced by T.
Protein change: p.Leu371=; no amino-acid change (leucine 371 retained).
Molecular consequence: synonymous variant.
Genome position (GRCh38, 1-based): chr8:122,952,623, C>T. VCF-style: chr8-122952623-C-T. GRCh37 (hg19) VCF-style: chr8-123964863-C-T.
Other names: c.1113C>T, p.Leu371= (NM_001362797.2, NM_001412796.1, NM_001412797.1 and 16 more transcripts).
Identifiers: ClinVar variation 2658789 (VCV002658789.24), dbSNP rs201657146, ClinGen allele CA4862283.

ClinVar aggregate classification (germline): Likely benign (1 of 4 stars; one submission).

Allele frequency attached by ClinVar (database versions not stated): TOPMed 0.00005; gnomAD exomes 0.00012; ESP Exome Variant Server 0.00015; 1000 Genomes Project 30x 0.00016; gnomAD 0.00018; 1000 Genomes Project 0.00020; ExAC 0.00022.
gnomAD v4.1: 198 of 1,614,174 alleles (0.012%); highest among the groups gnomAD compares: South Asian, 0.0088%; no homozygotes.

Submission:

CeGaT Center for Human Genetics Tuebingen
Classification: Likely benign. Last evaluated: 2022-06-01. Review status: criteria provided, single submitter. Criteria: CeGaT Center For Human Genetics Tuebingen Variant Classification Criteria Version 2. Collection method: clinical testing. Allele origin: germline. Affected: yes. Observed: 1 variant allele.
Comment: ZHX2: BP4, BP7